The following is an entry in ClinVar:

ClinVar aggregate classification (germline): Uncertain significance (1 of 4 stars; one submission).

Conditions:
Joubert syndrome 18 (JBTS18). Identifiers: Orphanet 2754, MedGen C3553758, MONDO:0013896, OMIM 614815.
Orofacial-digital syndrome IV (OFD4). Also called: BARAITSER-BURN SYNDROME; OFD SYNDROME WITH TIBIAL DEFECTS; OFD SYNDROME, BARAITSER-BURN TYPE; OFDS IV; ORAL-FACIAL-DIGITAL SYNDROME, TYPE IV; Orofaciodigital syndrome IV. Identifiers: Orphanet 2753, MedGen C0406727, MONDO:0009794, OMIM 258860.

Allele frequency attached by ClinVar (database versions not stated): gnomAD exomes 0.00001.
gnomAD v4.1: 8 of 1,614,126 alleles (0.0005%); highest among the groups gnomAD compares: East Asian, 0.011%; no homozygotes.

Submission:

Labcorp Genetics (formerly Invitae), Labcorp
Classification: Uncertain significance for Joubert syndrome 18; Orofacial-digital syndrome IV. Last evaluated: 2022-08-20. Review status: criteria provided, single submitter. Criteria: Invitae Variant Classification Sherloc (09022015). Collection method: clinical testing. Allele origin: germline.
Comment: In summary, the available evidence is currently insufficient to determine the role of this variant in disease. Therefore, it has been classified as a Variant of Uncertain Significance. Algorithms developed to predict the effect of missense changes on protein structure and function (SIFT, PolyPhen-2, Align-GVGD) all suggest that this variant is likely to be tolerated. This variant has not been reported in the literature in individuals affected with TCTN3-related conditions. This variant is not present in population databases (gnomAD no frequency). This sequence change replaces isoleucine, which is neutral and non-polar, with threonine, which is neutral and polar, at codon 591 of the TCTN3 protein (p.Ile591Thr).

NM_015631.6(TCTN3):c.1772T>C (p.Ile591Thr)

Gene: TCTN3 (tectonic family member 3; minus strand). Cytogenetic location: 10q24.1.
Variant type: single nucleotide variant.
Coding change: c.1772T>C on transcript NM_015631.6 (MANE Select); coding-DNA position 1772, T replaced by C.
Protein change: p.Ile591Thr; replaces isoleucine 591 with threonine.
Molecular consequence: missense variant.
Genome position (GRCh38, 1-based): chr10:95,664,119, A>G on the plus strand (T>C on the coding strand, the complement: TCTN3 is on the minus strand). VCF-style: chr10-95664119-A-G. GRCh37 (hg19) VCF-style: chr10-97423876-A-G.
Other names: c.1826T>C, p.Ile609Thr (NM_001013840.1); c.1328T>C, p.Ile443Thr (NM_001143973.2); c.1676T>C, p.Ile559Thr (NM_001410982.1); short protein forms I559T, I443T, I591T, I609T.
Identifiers: ClinVar variation 2005383 (VCV002005383.4), dbSNP rs2097923898, ClinGen allele CA377698739.